The following is an entry in ClinVar:

NM_002497.4(NEK2):c.532G>A (p.Gly178Ser)

Gene: NEK2 (NIMA related kinase 2; minus strand). Cytogenetic location: 1q32.3.
Variant type: single nucleotide variant.
Coding change: c.532G>A on transcript NM_002497.4 (MANE Select); coding-DNA position 532, G replaced by A.
Protein change: p.Gly178Ser; replaces glycine 178 with serine.
Molecular consequence: missense variant.
Genome position (GRCh38, 1-based): chr1:211,673,506, C>T on the plus strand (G>A on the coding strand, the complement: NEK2 is on the minus strand). VCF-style: chr1-211673506-C-T. GRCh37 (hg19) VCF-style: chr1-211846848-C-T.
Other names: c.532G>A, p.Gly178Ser (NM_001204182.2, NM_001204183.2); short protein forms G178S.
Identifiers: ClinVar variation 3614874 (VCV003614874.2).

ClinVar aggregate classification (germline): Uncertain significance (1 of 4 stars; one submission).

gnomAD v4.1: 13 of 1,613,800 alleles (0.00081%); highest among the groups gnomAD compares: Non-Finnish European, 0.0011%; no homozygotes.

Submission:

Labcorp Genetics (formerly Invitae), Labcorp
Classification: Uncertain significance. Last evaluated: 2024-10-16. Review status: criteria provided, single submitter. Criteria: Invitae Variant Classification Sherloc (09022015). Collection method: clinical testing. Allele origin: germline.
Comment: This sequence change replaces glycine, which is neutral and non-polar, with serine, which is neutral and polar, at codon 178 of the NEK2 protein (p.Gly178Ser). This variant is present in population databases (no rsID available, gnomAD 0.007%). This variant has not been reported in the literature in individuals affected with NEK2-related conditions. An algorithm developed to predict the effect of missense changes on protein structure and function (PolyPhen-2) suggests that this variant is likely to be disruptive. In summary, the available evidence is currently insufficient to determine the role of this variant in disease. Therefore, it has been classified as a Variant of Uncertain Significance.